The following is an entry in ClinVar:

ClinVar aggregate classification (germline): Uncertain significance. Review status: criteria provided, multiple submitters, no conflicts (2 of 4 stars). 2 submissions from 2 submitters: Uncertain significance (2). Last evaluated 2025-06-03.

Conditions:
Inborn genetic diseases. Identifiers: MedGen C0950123, MeSH D030342.

gnomAD v4.1: 56 of 1,610,592 alleles (0.0035%); highest among the groups gnomAD compares: Non-Finnish European, 0.0036%; no homozygotes.

Submissions (2):

Labcorp Genetics (formerly Invitae), Labcorp
Classification: Uncertain significance. Last evaluated: 2025-06-03. Review status: criteria provided, single submitter. Criteria: Invitae Variant Classification Sherloc (09022015). Collection method: clinical testing. Allele origin: germline.
Comment: This sequence change replaces alanine, which is neutral and non-polar, with threonine, which is neutral and polar, at codon 1382 of the LAMB1 protein (p.Ala1382Thr). This variant is present in population databases (rs776711442, gnomAD 0.03%). This variant has not been reported in the literature in individuals affected with LAMB1-related conditions. An algorithm developed to predict the effect of missense changes on protein structure and function (PolyPhen-2) suggests that this variant is likely to be disruptive. In summary, the available evidence is currently insufficient to determine the role of this variant in disease. Therefore, it has been classified as a Variant of Uncertain Significance.

Ambry Genetics
Classification: Uncertain significance for Inborn genetic diseases. Last evaluated: 2025-05-01. Review status: criteria provided, single submitter. Criteria: Ambry Variant Classification Scheme 2023. Collection method: clinical testing. Allele origin: germline.

NM_002291.3(LAMB1):c.4144G>A (p.Ala1382Thr)

Gene: LAMB1 (laminin subunit beta 1; minus strand). Cytogenetic location: 7q31.1.
Variant type: single nucleotide variant.
Coding change: c.4144G>A on transcript NM_002291.3 (MANE Select); coding-DNA position 4144, G replaced by A.
Protein change: p.Ala1382Thr; replaces alanine 1382 with threonine.
Molecular consequence: missense variant.
Genome position (GRCh38, 1-based): chr7:107,935,459, C>T on the plus strand (G>A on the coding strand, the complement: LAMB1 is on the minus strand). VCF-style: chr7-107935459-C-T. GRCh37 (hg19) VCF-style: chr7-107575904-C-T.
Other names: short protein forms A1382T.
Identifiers: ClinVar variation 4046052 (VCV004046052.2).
Genomic context (GRCh38, chr7:107,935,459, plus strand): 5'-CATCCCCAAACCTTACCATTTCGGCAGCGGCTGAAAGGTCTAGGCTTTGTAGCTTGCCTG[C>T]CAGTTCATCAAGGAGGCGAGCCTGCTCCTCTTGTTTTTCCTTGAACTGGGATTCTCGCTC-3'
Protein context (NP_002282.2, residues 1372-1392): EEQARLLDEL[Ala1382Thr]GKLQSLDLSA